The following is an entry in ClinVar:

NC_000001.10:g.(?_241661128)_(245027609_?)dup

Genes: CHML (CHM like Rab escort protein; minus strand), ADSS2 (adenylosuccinate synthase 2; minus strand), AKT3 (AKT serine/threonine kinase 3; minus strand), CATSPERE (catsper channel auxiliary subunit epsilon; plus strand), CEP170 (centrosomal protein 170; minus strand) and 13 more. Cytogenetic location: 1q43-44.
Variant type: Duplication.
Identifiers: ClinVar variation 3247844 (VCV003247844.1).

ClinVar aggregate classification (germline): Uncertain significance (1 of 4 stars; one submission).

Conditions:
Megalencephaly-polymicrogyria-polydactyly-hydrocephalus syndrome 2 (MPPH2). Also called: MEGALENCEPHALY-POLYMICROGYRIA-POLYDACTYLY-HYDROCEPHALUS SYNDROME 2, SOMATIC. Identifiers: Orphanet 83473, MedGen C4014738, MONDO:0014407, OMIM 615937.

Submission:

Labcorp Genetics (formerly Invitae), Labcorp
Classification: Uncertain significance for Megalencephaly-polymicrogyria-polydactyly-hydrocephalus syndrome 2. Last evaluated: 2023-10-03. Review status: criteria provided, single submitter. Criteria: Invitae Variant Classification Sherloc (09022015). Collection method: clinical testing. Allele origin: unknown.
Comment: A copy number gain of the genomic region encompassing the full coding sequence of the AKT3 gene has been identified. The boundaries of this event are unknown as they extend beyond the assayed region for this gene and therefore may encompass additional genes. As the precise location of this event is unknown, it may be in tandem or it may be located elsewhere in the genome. A similar copy number variant has been observed in individual(s) with clinical features of megalencephaly-polymicrogyria-polydactyly-hydrocephalus syndrome (Invitae). Experimental studies and prediction algorithms are not available or were not evaluated, and the functional significance of this variant is currently unknown. In summary, the available evidence is currently insufficient to determine the role of this variant in disease. Therefore, it has been classified as a Variant of Uncertain Significance.